The following is an entry in ClinVar:

ClinVar aggregate classification (germline): Likely pathogenic. Review status: criteria provided, single submitter (1 of 4 stars). 2 submissions from 2 submitters: Likely pathogenic (1). 1 of the submissions does not count toward it. Last evaluated 2020-09-10.

Conditions:
Leber congenital amaurosis (LCA). Also called: Leber's amaurosis. Identifiers: Orphanet 65, MedGen C0339527, MeSH D057130, MONDO:0018998.
Leber congenital amaurosis 13 (LCA13). Identifiers: MedGen C2675186, MONDO:0012990, OMIM 612712.

Submissions (2):

Labcorp Genetics (formerly Invitae), Labcorp
Classification: Likely pathogenic for Leber congenital amaurosis 13. Last evaluated: 2020-09-10. Review status: criteria provided, single submitter. Criteria: Invitae Variant Classification Sherloc (09022015). Collection method: clinical testing. Allele origin: germline.
Comment: This sequence change affects an acceptor splice site in intron 4 of the RDH12 gene. It is expected to disrupt RNA splicing and likely results in an absent or disrupted protein product. This variant is not present in population databases (ExAC no frequency). This variant has been observed in individual(s) with clinical features of retinitis pigmentosa (PMID: 31054281). Algorithms developed to predict the effect of sequence changes on RNA splicing suggest that this variant may disrupt the consensus splice site, but this prediction has not been confirmed by published transcriptional studies. Donor and acceptor splice site variants typically lead to a loss of protein function (PMID: 16199547), and loss-of-function variants in RDH12 are known to be pathogenic (PMID: 17964524, 22065924). In summary, the currently available evidence indicates that the variant is pathogenic, but additional data are needed to prove that conclusively. Therefore, this variant has been classified as Likely Pathogenic.

Natera, Inc.
Classification: Likely pathogenic for Leber congenital amaurosis. Last evaluated: 2017-06-19. Review status: no assertion criteria provided. Collection method: clinical testing. Allele origin: germline. Not counted in ClinVar's aggregate classification.

Literature cited by the submitters: PubMed 31054281 (cited by Labcorp Genetics (formerly Invitae), Labcorp); PubMed 16199547 (cited by Labcorp Genetics (formerly Invitae), Labcorp); PubMed 17964524 (cited by Labcorp Genetics (formerly Invitae), Labcorp); PubMed 22065924 (cited by Labcorp Genetics (formerly Invitae), Labcorp).

NM_152443.3(RDH12):c.188-1G>A

Genes: GPHN (gephyrin; plus strand), RDH12 (retinol dehydrogenase 12; plus strand). Cytogenetic location: 14q24.1.
Variant type: single nucleotide variant.
Coding change: c.188-1G>A on transcript NM_152443.3 (MANE Select); the canonical splice acceptor site of the intron before coding-DNA position 188, G replaced by A.
Molecular consequence: splice acceptor variant.
Genome position (GRCh38, 1-based): chr14:67,725,098, G>A. VCF-style: chr14-67725098-G-A. GRCh37 (hg19) VCF-style: chr14-68191815-G-A.
Identifiers: ClinVar variation 1066530 (VCV001066530.11), dbSNP rs2140142183, ClinGen allele CA390148467.
Genomic context (GRCh38, chr14:67,725,098, plus strand): 5'-ACTATACCTCCTTTATAGCCTAGGATATGAACATACTGCTCTTTTTTTGTCTTGGACCCA[G>A]GAGCCCGAGTCTATATTGCCTGCAGAGATGTACTGAAGGGGGAGTCTGCTGCCAGTGAAA-3'